The following is an entry in ClinVar:

ClinVar aggregate classification (germline): Uncertain significance (1 of 4 stars; one submission).

gnomAD v4.1: 1 of 1,613,792 alleles (0.000062%); highest among the groups gnomAD compares: Non-Finnish European, 0.000085%; no homozygotes.

Submission:

Labcorp Genetics (formerly Invitae), Labcorp
Classification: Uncertain significance. Last evaluated: 2024-07-08. Review status: criteria provided, single submitter. Criteria: Invitae Variant Classification Sherloc (09022015). Collection method: clinical testing. Allele origin: germline.
Comment: This sequence change replaces alanine, which is neutral and non-polar, with serine, which is neutral and polar, at codon 8 of the ANKZF1 protein (p.Ala8Ser). This variant is not present in population databases (gnomAD no frequency). This variant has not been reported in the literature in individuals affected with ANKZF1-related conditions. An algorithm developed to predict the effect of missense changes on protein structure and function (PolyPhen-2) suggests that this variant is likely to be tolerated. In summary, the available evidence is currently insufficient to determine the role of this variant in disease. Therefore, it has been classified as a Variant of Uncertain Significance.

NM_018089.3(ANKZF1):c.22G>T (p.Ala8Ser)

Gene: ANKZF1 (ankyrin repeat and zinc finger peptidyl tRNA hydrolase 1; plus strand). Cytogenetic location: 2q35.
Variant type: single nucleotide variant.
Coding change: c.22G>T on transcript NM_018089.3 (MANE Select); coding-DNA position 22, G replaced by T.
Protein change: p.Ala8Ser; replaces alanine 8 with serine.
Molecular consequence: missense variant. On other transcripts: intron variant (1).
Genome position (GRCh38, 1-based): chr2:219,230,279, G>T. VCF-style: chr2-219230279-G-T. GRCh37 (hg19) VCF-style: chr2-220095001-G-T.
Other names: c.22G>T, p.Ala8Ser (NM_001042410.2); c.-267+379G>T (NM_001282792.2); short protein forms A8S.
Identifiers: ClinVar variation 3659012 (VCV003659012.2).